The following is an entry in ClinVar:

NM_138694.4(PKHD1):c.6427G>A (p.Gly2143Arg)

Gene: PKHD1 (PKHD1 ciliary IPT domain containing fibrocystin/polyductin; minus strand). Cytogenetic location: 6p12.2.
Variant type: single nucleotide variant.
Coding change: c.6427G>A on transcript NM_138694.4 (MANE Select); coding-DNA position 6427, G replaced by A.
Protein change: p.Gly2143Arg; replaces glycine 2143 with arginine.
Molecular consequence: missense variant.
Genome position (GRCh38, 1-based): chr6:51,911,862, C>T on the plus strand (G>A on the coding strand, the complement: PKHD1 is on the minus strand). VCF-style: chr6-51911862-C-T. GRCh37 (hg19) VCF-style: chr6-51776660-C-T.
Other names: c.6427G>A, p.Gly2143Arg (NM_170724.3); short protein forms G2143R.
Identifiers: ClinVar variation 2585142 (VCV002585142.1), dbSNP rs756915122, ClinGen allele CA3852261.

ClinVar aggregate classification (germline): Uncertain significance (1 of 4 stars; one submission).

Conditions:
Polycystic kidney disease 4 (PKD4). Also called: POLYCYSTIC KIDNEY AND HEPATIC DISEASE 1; POLYCYSTIC KIDNEY DISEASE, INFANTILE, TYPE I; PKD3; Autosomal Recessive Polycystic Kidney Disease – PKHD1; POLYCYSTIC KIDNEY DISEASE 4 WITH OR WITHOUT POLYCYSTIC LIVER DISEASE. Identifiers: MedGen C4540575, MONDO:0033004, OMIM 263200.

Allele frequency attached by ClinVar (database versions not stated): ExAC 0.00001; gnomAD exomes below 0.00001.
gnomAD v4.1: 2 of 1,612,704 alleles (0.00012%); highest among the groups gnomAD compares: South Asian, 0.0022%; no homozygotes.

Submission:

Neuberg Centre For Genomic Medicine, NCGM
Classification: Uncertain significance for Polycystic kidney disease 4. Review status: criteria provided, single submitter. Criteria: ACMG Guidelines, 2015. Collection method: clinical testing. Allele origin: germline. Inheritance: Autosomal recessive inheritance. Affected: yes.
Comment: The missense c.6427G>A (p.Gly2143Arg) variant in PKHD1 gene has not been reported previously as a pathogenic variant nor as a benign variant, to our knowledge. The variant is observed in 0.0003% alleles in gnomAD Exomes and is novel (not in any individuals) in 1000 Genomes. The amino acid Gly at position 2143 is changed to a Arg changing protein sequence and it might alter its composition and physico-chemical properties. The amino acid change p.Gly2143Arg in PKHD1 is predicted as conserved by GERP++ and PhyloP across 100 vertebrates. For these reasons, this variant has been classified as Uncertain Significance. In the absence of second reportable variant , the molecular diagnosis is not confirmed.